The following is an entry in ClinVar:

ClinVar aggregate classification (germline): Uncertain significance (1 of 4 stars; one submission).

Conditions:
Bardet-Biedl syndrome (BBS). Identifiers: Orphanet 110, MedGen C0752166, MONDO:0015229.

Allele frequency attached by ClinVar (database versions not stated): gnomAD 0.00001; TOPMed 0.00002.
gnomAD v4.1: 2 of 1,612,618 alleles (0.00012%); highest among the groups gnomAD compares: African/African-American, 0.0027%; no homozygotes.

Submission:

Labcorp Genetics (formerly Invitae), Labcorp
Classification: Uncertain significance for Bardet-Biedl syndrome. Last evaluated: 2022-11-01. Review status: criteria provided, single submitter. Criteria: Invitae Variant Classification Sherloc (09022015). Collection method: clinical testing. Allele origin: germline.
Comment: This sequence change replaces isoleucine, which is neutral and non-polar, with valine, which is neutral and non-polar, at codon 548 of the BBS9 protein (p.Ile548Val). This variant is not present in population databases (gnomAD no frequency). This variant has not been reported in the literature in individuals affected with BBS9-related conditions. ClinVar contains an entry for this variant (Variation ID: 1467201). Advanced modeling of protein sequence and biophysical properties (such as structural, functional, and spatial information, amino acid conservation, physicochemical variation, residue mobility, and thermodynamic stability) performed at Invitae indicates that this missense variant is not expected to disrupt BBS9 protein function. In summary, the available evidence is currently insufficient to determine the role of this variant in disease. Therefore, it has been classified as a Variant of Uncertain Significance.

NM_198428.3(BBS9):c.1642A>G (p.Ile548Val)

Gene: BBS9 (Bardet-Biedl syndrome 9; plus strand). Cytogenetic location: 7p14.3.
Variant type: single nucleotide variant.
Coding change: c.1642A>G on transcript NM_198428.3 (MANE Select); coding-DNA position 1642, A replaced by G.
Protein change: p.Ile548Val; replaces isoleucine 548 with valine.
Molecular consequence: missense variant. On other transcripts: non-coding transcript variant (3).
Genome position (GRCh38, 1-based): chr7:33,357,944, A>G. VCF-style: chr7-33357944-A-G. GRCh37 (hg19) VCF-style: chr7-33397556-A-G.
Other names: c.1537A>G, p.Ile513Val (NM_001033604.2); c.1627A>G, p.Ile543Val (NM_001033605.2); c.1642A>G, p.Ile548Val (NM_001348036.1, NM_001348041.4, NM_001348043.3 and 1 more transcripts); c.1276A>G, p.Ile426Val (NM_001348037.3, NM_001348045.3, NM_001348046.3); c.1369A>G, p.Ile457Val (NM_001348038.3); c.1264A>G, p.Ile422Val (NM_001348039.3); c.1522A>G, p.Ile508Val (NM_001348040.3, NM_014451.4); c.1507A>G, p.Ile503Val (NM_001348042.3); and 1 more; short protein forms I543V, I548V, I391V, I508V, I426V, I503V, I513V, I422V.
Identifiers: ClinVar variation 1467201 (VCV001467201.5), dbSNP rs1050416352, ClinGen allele CA156728965.